The following is an entry in ClinVar:

NM_032119.4(ADGRV1):c.10570C>T (p.Gln3524Ter)

Gene: ADGRV1 (adhesion G protein-coupled receptor V1; plus strand). Cytogenetic location: 5q14.3.
Variant type: single nucleotide variant.
Coding change: c.10570C>T on transcript NM_032119.4 (MANE Select); coding-DNA position 10570, C replaced by T.
Protein change: p.Gln3524Ter; replaces glutamine 3524 with a stop codon.
Molecular consequence: nonsense. On other transcripts: non-coding transcript variant (1).
Genome position (GRCh38, 1-based): chr5:90,745,066, C>T. VCF-style: chr5-90745066-C-T. GRCh37 (hg19) VCF-style: chr5-90040883-C-T.
Other names: short protein forms Q3524*.
Identifiers: ClinVar variation 3063863 (VCV003063863.1), dbSNP rs766464017, ClinGen allele CA360407497.

ClinVar aggregate classification (germline): Pathogenic (1 of 4 stars; one submission).

Conditions:
Usher syndrome. Also called: Usher Syndromes; Usher's syndrome. Identifiers: Orphanet 886, MedGen CN469326, MeSH D052245, MONDO:0019501. Disease mechanism: loss of function.

Submission:

Women's Health and Genetics/Laboratory Corporation of America, LabCorp
Classification: Pathogenic for Retinitis pigmentosa-deafness syndrome. Last evaluated: 2024-01-11. Review status: criteria provided, single submitter. Criteria: LabCorp Variant Classification Summary - May 2015. Collection method: clinical testing. Allele origin: germline.
Comment: Variant summary: ADGRV1 c.10570C>T (p.Gln3524X) results in a premature termination codon, predicted to cause a truncation of the encoded protein or absence of the protein due to nonsense mediated decay, which are commonly known mechanisms for disease. The variant was absent in 249096 control chromosomes (gnomAD). To our knowledge, no occurrence of c.10570C>T in individuals affected with Usher Syndrome and no experimental evidence demonstrating its impact on protein function have been reported. No submitters have cited clinical-significance assessments for this variant to ClinVar. Based on the evidence outlined above, the variant was classified as pathogenic.